The following is an entry in ClinVar:

NM_001429.4(EP300):c.1673C>G (p.Thr558Arg)

Gene: EP300 (EP300 lysine acetyltransferase; plus strand). Cytogenetic location: 22q13.2.
Variant type: single nucleotide variant.
Coding change: c.1673C>G on transcript NM_001429.4 (MANE Select); coding-DNA position 1673, C replaced by G.
Protein change: p.Thr558Arg; replaces threonine 558 with arginine.
Molecular consequence: missense variant.
Genome position (GRCh38, 1-based): chr22:41,137,703, C>G. VCF-style: chr22-41137703-C-G. GRCh37 (hg19) VCF-style: chr22-41533707-C-G.
Other names: c.1673C>G, p.Thr558Arg (NM_001362843.2); short protein forms T558R.
Identifiers: ClinVar variation 2965940 (VCV002965940.1), dbSNP rs2518141344, ClinGen allele CA411687142.

ClinVar aggregate classification (germline): Uncertain significance (1 of 4 stars; one submission).

Conditions:
Rubinstein-Taybi syndrome due to EP300 haploinsufficiency. Also called: EP300-Related Rubinstein-Taybi Syndrome; RUBINSTEIN-TAYBI SYNDROME 2. Identifiers: Orphanet 353284, Orphanet 783, MedGen C3150941, MONDO:0013364, OMIM 613684.

gnomAD v4.1: 2 of 1,614,196 alleles (0.00012%); highest among the groups gnomAD compares: South Asian, 0.0022%; no homozygotes.

Submission:

Labcorp Genetics (formerly Invitae), Labcorp
Classification: Uncertain significance for Rubinstein-Taybi syndrome due to EP300 haploinsufficiency. Last evaluated: 2023-11-10. Review status: criteria provided, single submitter. Criteria: Invitae Variant Classification Sherloc (09022015). Collection method: clinical testing. Allele origin: germline.
Comment: This sequence change replaces threonine, which is neutral and polar, with arginine, which is basic and polar, at codon 558 of the EP300 protein (p.Thr558Arg). This variant is not present in population databases (gnomAD no frequency). This variant has not been reported in the literature in individuals affected with EP300-related conditions. Advanced modeling of protein sequence and biophysical properties (such as structural, functional, and spatial information, amino acid conservation, physicochemical variation, residue mobility, and thermodynamic stability) performed at Invitae indicates that this missense variant is not expected to disrupt EP300 protein function with a negative predictive value of 80%. In summary, the available evidence is currently insufficient to determine the role of this variant in disease. Therefore, it has been classified as a Variant of Uncertain Significance.